The following is an entry in ClinVar:

ClinVar aggregate classification (germline): Uncertain significance (1 of 4 stars; one submission).

Allele frequency attached by ClinVar (database versions not stated): gnomAD exomes below 0.00001 and 0.00002; ExAC 0.00001; gnomAD 0.00001; 1000 Genomes Project 30x 0.00016; 1000 Genomes Project 0.00020.

Submission:

Labcorp Genetics (formerly Invitae), Labcorp
Classification: Uncertain significance. Last evaluated: 2021-01-28. Review status: criteria provided, single submitter. Criteria: Invitae Variant Classification Sherloc (09022015). Collection method: clinical testing. Allele origin: germline.
Comment: This variant is present in population databases (rs543199052, ExAC 0.01%). This sequence change replaces valine with isoleucine at codon 202 of the GATAD2B protein (p.Val202Ile). The valine residue is highly conserved and there is a small physicochemical difference between valine and isoleucine. This variant has not been reported in the literature in individuals with GATAD2B-related conditions. In summary, the available evidence is currently insufficient to determine the role of this variant in disease. Therefore, it has been classified as a Variant of Uncertain Significance. Algorithms developed to predict the effect of missense changes on protein structure and function output the following: SIFT: "Not Available"; PolyPhen-2: "Benign"; Align-GVGD: "Not Available". The isoleucine amino acid residue is found in multiple mammalian species, suggesting that this missense change does not adversely affect protein function. These predictions have not been confirmed by published functional studies and their clinical significance is uncertain.

NM_020699.4(GATAD2B):c.604G>A (p.Val202Ile)

Gene: GATAD2B (GATA zinc finger domain containing 2B; minus strand). Cytogenetic location: 1q21.3.
Variant type: single nucleotide variant.
Coding change: c.604G>A on transcript NM_020699.4 (MANE Select); coding-DNA position 604, G replaced by A.
Protein change: p.Val202Ile; replaces valine 202 with isoleucine.
Molecular consequence: missense variant.
Genome position (GRCh38, 1-based): chr1:153,818,165, C>T on the plus strand (G>A on the coding strand, the complement: GATAD2B is on the minus strand). VCF-style: chr1-153818165-C-T. GRCh37 (hg19) VCF-style: chr1-153790641-C-T.
Other names: short protein forms V202I.
Identifiers: ClinVar variation 1490768 (VCV001490768.6), dbSNP rs543199052, ClinGen allele CA1120821.
Genomic context (GRCh38, chr1:153,818,165, plus strand): 5'-GGCCCTGCTGTCCCACATGGGCAGGAGATGGCTGAACAATAGATGCTGCATTCTGTACAA[C>T]TGGAGTCTGGGAGAGGGAAGAGAAAATAAGACTGTGGCCAATAATCACAGGTGGAAATTT-3'
Protein context (NP_065750.1, residues 192-212): QKENVVQKTP[Val202Ile]VQNAASIVQP